The following is an entry in ClinVar:

NM_000252.3(MTM1):c.560T>C (p.Phe187Ser)

Gene: MTM1 (myotubularin 1; plus strand). Cytogenetic location: Xq28.
Variant type: single nucleotide variant.
Coding change: c.560T>C on transcript NM_000252.3 (MANE Select); coding-DNA position 560, T replaced by C.
Protein change: p.Phe187Ser; replaces phenylalanine 187 with serine.
Molecular consequence: missense variant.
Genome position (GRCh38, 1-based): chrX:150,641,300, T>C. VCF-style: chrX-150641300-T-C. GRCh37 (hg19) VCF-style: chrX-149809773-T-C.
Other names: c.560T>C, p.Phe187Ser (NM_001376906.1, NM_001376908.1); c.449T>C, p.Phe150Ser (NM_001376907.1); short protein forms F150S, F187S.
Identifiers: ClinVar variation 2870588 (VCV002870588.3), dbSNP rs2522361576, ClinGen allele CA415256013.

ClinVar aggregate classification (germline): Uncertain significance (1 of 4 stars; one submission).

Conditions:
Severe X-linked myotubular myopathy (CNMX). Also called: X-linked centronuclear myopathy; MYOTUBULAR MYOPATHY 1; Myotubular myopathy, X-linked. Identifiers: Orphanet 596, MedGen C0410203, MONDO:0010683, OMIM 310400.

Submission:

Labcorp Genetics (formerly Invitae), Labcorp
Classification: Uncertain significance for Severe X-linked myotubular myopathy. Last evaluated: 2025-02-17. Review status: criteria provided, single submitter. Criteria: Invitae Variant Classification Sherloc (09022015). Collection method: clinical testing. Allele origin: germline.
Comment: This sequence change replaces phenylalanine, which is neutral and non-polar, with serine, which is neutral and polar, at codon 187 of the MTM1 protein (p.Phe187Ser). This variant is not present in population databases (gnomAD no frequency). This variant has not been reported in the literature in individuals affected with MTM1-related conditions. ClinVar contains an entry for this variant (Variation ID: 2870588). Invitae Evidence Modeling of protein sequence and biophysical properties (such as structural, functional, and spatial information, amino acid conservation, physicochemical variation, residue mobility, and thermodynamic stability) has been performed for this missense variant. However, the output from this modeling did not meet the statistical confidence thresholds required to predict the impact of this variant on MTM1 protein function. In summary, the available evidence is currently insufficient to determine the role of this variant in disease. Therefore, it has been classified as a Variant of Uncertain Significance.